The following is an entry in ClinVar:

NM_000719.7(CACNA1C):c.5158C>G (p.Gln1720Glu)

Genes: CACNA1C (calcium voltage-gated channel subunit alpha1 C; plus strand), CACNA1C-AS1 (CACNA1C antisense RNA 1; minus strand). Cytogenetic location: 12p13.33.
Variant type: single nucleotide variant.
Coding change: c.5158C>G on transcript NM_000719.7 (MANE Select); coding-DNA position 5158, C replaced by G.
Protein change: p.Gln1720Glu; replaces glutamine 1720 with glutamic acid.
Molecular consequence: missense variant.
Genome position (GRCh38, 1-based): chr12:2,679,510, C>G. VCF-style: chr12-2679510-C-G. GRCh37 (hg19) VCF-style: chr12-2788676-C-G.
Other names: c.5302C>G, p.Gln1768Glu (NM_001129827.2, NM_199460.4); c.5281C>G, p.Gln1761Glu (NM_001129829.2); c.5158C>G, p.Gln1720Glu (NM_001129830.3, NM_001129840.2, NM_001129841.2 and 4 more transcripts); c.5242C>G, p.Gln1748Glu (NM_001129831.2); c.5218C>G, p.Gln1740Glu (NM_001129832.2); c.5215C>G, p.Gln1739Glu (NM_001129833.2, NM_001129834.2, NM_001129835.2); c.5209C>G, p.Gln1737Glu (NM_001129836.2); c.5182C>G, p.Gln1728Glu (NM_001129837.2, NM_001129838.2); and 3 more; short protein forms Q1720E, Q1768E, Q1739E, Q1740E, Q1761E, Q1726E, Q1728E, Q1709E.
Identifiers: ClinVar variation 411724 (VCV000411724.4), dbSNP rs1008863902, ClinGen allele CA16614111.

ClinVar aggregate classification (germline): Uncertain significance (1 of 4 stars; one submission).

Conditions:
Long QT syndrome (LQTS). Identifiers: MedGen C0023976, MeSH D008133, MONDO:0002442. Disease mechanism: loss of function. Inheritance: Various modes of inheritance.

gnomAD v4.1: 3 of 1,611,106 alleles (0.00019%); highest among the groups gnomAD compares: Non-Finnish European, 0.00025%; no homozygotes.

Submission:

Labcorp Genetics (formerly Invitae), Labcorp
Classification: Uncertain significance for Long QT syndrome. Last evaluated: 2024-11-04. Review status: criteria provided, single submitter. Criteria: Invitae Variant Classification Sherloc (09022015). Collection method: clinical testing. Allele origin: germline.
Comment: This sequence change replaces glutamine, which is neutral and polar, with glutamic acid, which is acidic and polar, at codon 1720 of the CACNA1C protein (p.Gln1720Glu). This variant is not present in population databases (gnomAD no frequency). This variant has not been reported in the literature in individuals affected with CACNA1C-related conditions. ClinVar contains an entry for this variant (Variation ID: 411724). Invitae Evidence Modeling of protein sequence and biophysical properties (such as structural, functional, and spatial information, amino acid conservation, physicochemical variation, residue mobility, and thermodynamic stability) has been performed for this missense variant. However, the output from this modeling did not meet the statistical confidence thresholds required to predict the impact of this variant on CACNA1C protein function. In summary, the available evidence is currently insufficient to determine the role of this variant in disease. Therefore, it has been classified as a Variant of Uncertain Significance.